The following is an entry in ClinVar:

NM_000233.4(LHCGR):c.378A>C (p.Lys126Asn)

Genes: STON1-GTF2A1L (STON1-GTF2A1L readthrough; plus strand), LHCGR (luteinizing hormone/choriogonadotropin receptor; minus strand). Cytogenetic location: 2p16.3.
Variant type: single nucleotide variant.
Coding change: c.378A>C on transcript NM_000233.4 (MANE Select); coding-DNA position 378, A replaced by C.
Protein change: p.Lys126Asn; replaces lysine 126 with asparagine.
Molecular consequence: missense variant. On other transcripts: intron variant (1).
Genome position (GRCh38, 1-based): chr2:48,725,681, T>G on the plus strand (A>C on the coding strand, the complement: LHCGR is on the minus strand). VCF-style: chr2-48725681-T-G. GRCh37 (hg19) VCF-style: chr2-48952820-T-G.
Other names: c.3442-50599T>G (NM_001198593.2); short protein forms K126N.
Identifiers: ClinVar variation 336468 (VCV000336468.7), dbSNP rs373456950, ClinGen allele CA1653350.
Genomic context (GRCh38, chr2:48,725,681, plus strand): 5'-TTCATCAGATGCCCATCTTCCCCTCCCCAATTGCTTAAAAAGGAAAATTTCTCACAAGTA[T>G]TTTAATCGGGGAAGATTTATAAATGCTCCGGGCTCAATGTATCTCAGATTTTTGGTGTTC-3'
Protein context (NP_000224.2, residues 116-136): PGAFINLPRL[Lys126Asn]YLSICNTGIR

ClinVar aggregate classification (germline): Benign/Likely benign. Review status: criteria provided, multiple submitters, no conflicts (2 of 4 stars). 3 submissions from 2 submitters: Benign (1); Likely benign (2). Last evaluated 2025-11-19.

Conditions:
Gonadotropin-independent familial sexual precocity. Also called: TESTOTOXICOSIS, FAMILIAL; Familial male-limited precocious puberty. Identifiers: Orphanet 3000, MedGen C0342549, MONDO:0008303, OMIM 176410.
Leydig cell agenesis. Also called: LEYDIG CELL HYPOPLASIA WITH MALE PSEUDOHERMAPHRODITISM; LEYDIG CELL HYPOPLASIA, COMPLETE; HYPERGONADOTROPIC HYPOGONADISM, MALE, DUE TO LHCGR DEFECT; Leydig cell hypoplasia, type 1. Identifiers: MedGen C0266432, MONDO:0009384, OMIM 238320.

Allele frequency attached by ClinVar (database versions not stated): gnomAD below 0.00001 and 0.00015; TOPMed 0.00002; ESP Exome Variant Server 0.00008; gnomAD exomes 0.00028 and 0.00055; ExAC 0.00068; 1000 Genomes Project 30x 0.00094; 1000 Genomes Project 0.00120.
gnomAD v4.1: 421 of 1,611,620 alleles (0.026%); highest among the groups gnomAD compares: South Asian, 0.44%; 2 homozygotes.

Submissions (3):

Labcorp Genetics (formerly Invitae), Labcorp
Classification: Benign. Last evaluated: 2025-11-19. Review status: criteria provided, single submitter. Criteria: Invitae Variant Classification Sherloc (09022015). Collection method: clinical testing. Allele origin: germline.

Illumina Laboratory Services, Illumina
Classification: Likely benign for Gonadotropin-independent familial sexual precocity. Last evaluated: 2017-04-28. Review status: criteria provided, single submitter. Criteria: ICSL Variant Classification Criteria 13 December 2019. Collection method: clinical testing. Allele origin: germline.
Comment: This variant was observed as part of a predisposition screen in an ostensibly healthy population. A literature search was performed for the gene, cDNA change, and amino acid change (where applicable). No publications were found based on this search. Allele frequency data from public databases allowed determination this variant is unlikely to cause disease. Therefore, this variant is classified as likely benign.

Illumina Laboratory Services, Illumina
Classification: Likely benign for Leydig cell agenesis. Last evaluated: 2017-04-28. Review status: criteria provided, single submitter. Criteria: ICSL Variant Classification Criteria 13 December 2019. Collection method: clinical testing. Allele origin: germline.
Comment: the same text as in the submission from Illumina Laboratory Services, Illumina above.